The following is an entry in ClinVar:

ClinVar aggregate classification (germline): Conflicting classifications of pathogenicity. Review status: criteria provided, conflicting classifications (1 of 4 stars). 2 submissions from 2 submitters: Uncertain significance (1); Likely benign (1). Last evaluated 2024-10-09.

Conditions:
Epileptic encephalopathy. Identifiers: MedGen C0543888, HP:0200134.

Allele frequency attached by ClinVar (database versions not stated): ExAC 0.00001; gnomAD exomes 0.00001 and 0.00002; gnomAD 0.00003; TOPMed 0.00004.
gnomAD v4.1: 25 of 1,612,448 alleles (0.0016%); highest among the groups gnomAD compares: East Asian, 0.016%; 1 homozygote.

Submissions (2):

Blueprint Genetics
Classification: Likely benign. Last evaluated: 2024-10-09. Review status: criteria provided, single submitter. Criteria: ACMG Guidelines, 2015. Collection method: clinical testing. Allele origin: germline.

Labcorp Genetics (formerly Invitae), Labcorp
Classification: Uncertain significance for Epileptic encephalopathy. Last evaluated: 2019-09-16. Review status: criteria provided, single submitter. Criteria: Invitae Variant Classification Sherloc (09022015). Collection method: clinical testing. Allele origin: germline.
Comment: This sequence change falls in intron 67 of the RYR3 gene. It does not directly change the encoded amino acid sequence of the RYR3 protein, but it affects a nucleotide within the consensus splice site of the intron. This variant is present in population databases (rs371105087, ExAC 0.01%). This variant has not been reported in the literature in individuals with RYR3-related conditions. Nucleotide substitutions within the consensus splice site are a relatively common cause of aberrant splicing (PMID: 17576681, 9536098). Algorithms developed to predict the effect of sequence changes on RNA splicing suggest that this variant is not likely to affect RNA splicing, but this prediction has not been confirmed by published transcriptional studies. In summary, the available evidence is currently insufficient to determine the role of this variant in disease. Therefore, it has been classified as a Variant of Uncertain Significance.

NM_001036.6(RYR3):c.9830+4C>T

Gene: RYR3 (ryanodine receptor 3; plus strand). Cytogenetic location: 15q14.
Variant type: single nucleotide variant.
Coding change: c.9830+4C>T on transcript NM_001036.6 (MANE Select); 4 bases into the intron after coding-DNA position 9830, C replaced by T.
Molecular consequence: intron variant.
Genome position (GRCh38, 1-based): chr15:33,788,462, C>T. VCF-style: chr15-33788462-C-T. GRCh37 (hg19) VCF-style: chr15-34080663-C-T.
Other names: c.9830+4C>T (NM_001243996.4).
Identifiers: ClinVar variation 960935 (VCV000960935.2), dbSNP rs371105087, ClinGen allele CA7460619.
Genomic context (GRCh38, chr15:33,788,462, plus strand): 5'-CTGCAGAGATCTCTATGCCTTCTACCCCATGCTGATCCGCTACGTGGACAACAACAGGTA[C>T]GGAGGAGAGCACTAGGAGCCTGTCTGCCCCTCTGTGGGGCTAGTTTAGGCAACAGAATAA-3'